The following is an entry in ClinVar:

NM_001014447.3(CPZ):c.1287G>A (p.Ser429=)

Gene: CPZ (carboxypeptidase Z; plus strand). Cytogenetic location: 4p16.1.
Variant type: single nucleotide variant.
Coding change: c.1287G>A on transcript NM_001014447.3 (MANE Select); coding-DNA position 1287, G replaced by A.
Protein change: p.Ser429=; no amino-acid change (serine 429 retained).
Molecular consequence: synonymous variant.
Genome position (GRCh38, 1-based): chr4:8,612,086, G>A. VCF-style: chr4-8612086-G-A. GRCh37 (hg19) VCF-style: chr4-8613813-G-A.
Other names: NC_000004.11:g.8613813G>A; c.876G>A, p.Ser292= (NM_001014448.3); c.1254G>A, p.Ser418= (NM_003652.4); c.1287G>A (NM_001014447.2).
Identifiers: ClinVar variation 3025085 (VCV003025085.24), dbSNP rs149208953, ClinGen allele CA2853702.

ClinVar aggregate classification (germline): Likely benign. Review status: criteria provided, single submitter (1 of 4 stars). 2 submissions from 2 submitters: Likely benign (1). 1 of the submissions does not count toward it. Last evaluated 2024-01-01.

Conditions:
CPZ-related disorder. Also called: CPZ-related condition.

Allele frequency attached by ClinVar (database versions not stated): 1000 Genomes Project 30x 0.00016; 1000 Genomes Project 0.00020; ExAC 0.00062; gnomAD 0.00075; TOPMed 0.00076; ESP Exome Variant Server 0.00108.
gnomAD v4.1: 1,590 of 1,613,524 alleles (0.099%); highest among the groups gnomAD compares: Non-Finnish European, 0.12%; 2 homozygotes.

Submissions (5):

CeGaT Center for Human Genetics Tuebingen
Classification: Likely benign. Last evaluated: 2024-01-01. Review status: criteria provided, single submitter. Criteria: CeGaT Center For Human Genetics Tuebingen Variant Classification Criteria Version 2. Collection method: clinical testing. Allele origin: germline. Affected: yes. Observed: 1 variant allele.
Comment: CPZ: BP7

PreventionGenetics, part of Exact Sciences
Classification: Likely benign for CPZ-related condition. Last evaluated: 2020-05-11. Review status: no assertion criteria provided. Collection method: clinical testing. Allele origin: germline. Not counted in ClinVar's aggregate classification.
Comment: This variant is classified as likely benign based on ACMG/AMP sequence variant interpretation guidelines (Richards et al. 2015 PMID: 25741868, with internal and published modifications).

Dr. Peter K. Rogan Lab, Western University
No classification provided (evidence only). Condition: Familial cancer of breast. Review status: no classification provided. Collection method: in vitro. Allele origin: not applicable. Functional consequence: retained intron. Not counted in ClinVar's aggregate classification.

Dr. Peter K. Rogan Lab, Western University
No classification provided (evidence only). Condition: Nonpapillary renal cell carcinoma. Review status: no classification provided. Collection method: in vitro. Allele origin: not applicable. Functional consequence: retained intron. Not counted in ClinVar's aggregate classification.

Dr. Peter K. Rogan Lab, Western University
No classification provided (evidence only). Condition: Gastric cancer. Review status: no classification provided. Collection method: in vitro. Allele origin: not applicable. Functional consequence: retained intron. Not counted in ClinVar's aggregate classification.